The following is an entry in ClinVar:

ClinVar aggregate classification (germline): Uncertain significance (1 of 4 stars; one submission).

Conditions:
MHC class II deficiency. Also called: Bare lymphocyte syndrome 2; BLS, TYPE II. Identifiers: Orphanet 572, MedGen C5447452, MONDO:0008855.

Allele frequency attached by ClinVar (database versions not stated): TOPMed 0.00001; gnomAD exomes 0.00002.
gnomAD v4.1: 11 of 1,613,976 alleles (0.00068%); highest among the groups gnomAD compares: Non-Finnish European, 0.00085%; no homozygotes.

Submission:

Labcorp Genetics (formerly Invitae), Labcorp
Classification: Uncertain significance for MHC class II deficiency. Last evaluated: 2022-06-03. Review status: criteria provided, single submitter. Criteria: Invitae Variant Classification Sherloc (09022015). Collection method: clinical testing. Allele origin: germline.
Comment: This sequence change replaces glycine, which is neutral and non-polar, with alanine, which is neutral and non-polar, at codon 200 of the RFXANK protein (p.Gly200Ala). This variant is present in population databases (rs772154823, gnomAD 0.004%). This variant has not been reported in the literature in individuals affected with RFXANK-related conditions. ClinVar contains an entry for this variant (Variation ID: 964777). Algorithms developed to predict the effect of missense changes on protein structure and function (SIFT, PolyPhen-2, Align-GVGD) all suggest that this variant is likely to be disruptive. In summary, the available evidence is currently insufficient to determine the role of this variant in disease. Therefore, it has been classified as a Variant of Uncertain Significance.

NM_003721.4(RFXANK):c.599G>C (p.Gly200Ala)

Gene: RFXANK (regulatory factor X associated ankyrin containing protein; plus strand). Cytogenetic location: 19p13.11.
Variant type: single nucleotide variant.
Coding change: c.599G>C on transcript NM_003721.4 (MANE Select); coding-DNA position 599, G replaced by C.
Protein change: p.Gly200Ala; replaces glycine 200 with alanine.
Molecular consequence: missense variant.
Genome position (GRCh38, 1-based): chr19:19,198,691, G>C. VCF-style: chr19-19198691-G-C. GRCh37 (hg19) VCF-style: chr19-19309500-G-C.
Other names: c.533G>C, p.Gly178Ala (NM_001278727.2, NM_001370234.1); c.530G>C, p.Gly177Ala (NM_001278728.2, NM_134440.3); c.599G>C, p.Gly200Ala (NM_001370233.1, NM_001370238.1); c.596G>C, p.Gly199Ala (NM_001370235.1, NM_001370236.1, NM_001370237.1); short protein forms G177A, G178A, G199A, G200A.
Identifiers: ClinVar variation 964777 (VCV000964777.7), dbSNP rs772154823, ClinGen allele CA9322834.